The following is an entry in ClinVar:

ClinVar aggregate classification (germline): Pathogenic (1 of 4 stars; one submission).

Conditions:
Congenital myasthenic syndrome 4A. Also called: MYASTHENIC SYNDROME, CONGENITAL, 4A, SLOW-CHANNEL, AUTOSOMAL RECESSIVE; Myasthenic syndrome, congenital, 4a, slow-channel; CONGENITAL MYASTHENIC SYNDROME TYPE Ia1. Identifiers: Orphanet 590, MedGen C4225413, MONDO:0011600, OMIM 605809.

Submission:

Labcorp Genetics (formerly Invitae), Labcorp
Classification: Pathogenic for Congenital myasthenic syndrome 4A. Last evaluated: 2022-03-17. Review status: criteria provided, single submitter. Criteria: Invitae Variant Classification Sherloc (09022015). Collection method: clinical testing. Allele origin: germline.
Comment: For these reasons, this variant has been classified as Pathogenic. This sequence change creates a premature translational stop signal (p.Ser88Argfs*8) in the CHRNE gene. It is expected to result in an absent or disrupted protein product. Loss-of-function variants in CHRNE are known to be pathogenic (PMID: 22678886). This variant is not present in population databases (gnomAD no frequency). This variant has not been reported in the literature in individuals affected with CHRNE-related conditions. Algorithms developed to predict the effect of sequence changes on RNA splicing suggest that this variant may create or strengthen a splice site.

Literature cited by the submitters: PubMed 22678886.

NM_000080.4(CHRNE):c.264del (p.Ser88fs)

Genes: C17orf107 (chromosome 17 open reading frame 107; plus strand), CHRNE (cholinergic receptor nicotinic epsilon subunit; minus strand). Cytogenetic location: 17p13.2.
Variant type: Deletion.
Coding change: c.264del on transcript NM_000080.4 (MANE Select); coding-DNA position 264, one base deleted (C; older notation c.264delC).
Protein change: p.Ser88fs; shifts the reading frame from serine 88.
Molecular consequence: frameshift variant. On other transcripts: 3 prime UTR variant (1).
Genome position (GRCh38, 1-based): chr17:4,902,297, G deleted on the plus strand (C on the coding strand, the reverse complement: CHRNE is on the minus strand). VCF-style (leftmost placement, unchanged base first): chr17-4902296-TG-T. GRCh37 (hg19) VCF-style: chr17-4805591-TG-T.
Other names: c.*1764del (NM_001145536.2); short protein forms S88fs.
Identifiers: ClinVar variation 2094237 (VCV002094237.4), dbSNP rs2507561650, ClinGen allele CA2576135920.
Genomic context (GRCh38, chr17:4,902,296, plus strand): 5'-CTGGCAGCCACACGAGTTCTGAAGGGACTCGCAGGGTTTCTATACCCCCAAAGTCGTCCT[TG>T]CTGTAGTTGAGTCGGTAATCCTGCCAATCCTAAGGGGTGGGGGATGGAAGGCCGCGTGCC-3'